The following is an entry in ClinVar:

ClinVar aggregate classification (germline): Likely benign (1 of 4 stars; one submission).

gnomAD v4.1: 27 of 1,613,800 alleles (0.0017%); highest among the groups gnomAD compares: East Asian, 0.018%; no homozygotes.

Submission:

CeGaT Center for Human Genetics Tuebingen
Classification: Likely benign. Last evaluated: 2025-01-01. Review status: criteria provided, single submitter. Criteria: CeGaT Center For Human Genetics Tuebingen Variant Classification Criteria Version 2. Collection method: clinical testing. Allele origin: germline. Affected: yes. Observed: 1 variant allele.
Comment: EIF3F: BP4, BP7

NM_003754.3(EIF3F):c.720G>A (p.Ala240=)

Gene: EIF3F (eukaryotic translation initiation factor 3 subunit F; plus strand). Cytogenetic location: 11p15.4.
Variant type: single nucleotide variant.
Coding change: c.720G>A on transcript NM_003754.3 (MANE Select); coding-DNA position 720, G replaced by A.
Protein change: p.Ala240=; no amino-acid change (alanine 240 retained).
Molecular consequence: synonymous variant.
Genome position (GRCh38, 1-based): chr11:7,994,492, G>A. VCF-style: chr11-7994492-G-A. GRCh37 (hg19) VCF-style: chr11-8016039-G-A.
Identifiers: ClinVar variation 3771355 (VCV003771355.13).